The following is an entry in ClinVar:

ClinVar aggregate classification (germline): Likely pathogenic. Review status: criteria provided, single submitter (1 of 4 stars). 2 submissions from 2 submitters: Likely pathogenic (1). 1 of the submissions does not count toward it. Last evaluated 2023-11-06.

Conditions:
Common variable immunodeficiency (CVID). Also called: Common variable hypogamma-globulinemia; Common variable agammaglobulinemia. Identifiers: Orphanet 1572, MedGen C0009447, MONDO:0015517.

Submissions (2):

GeneDx
Classification: Likely pathogenic. Last evaluated: 2023-11-06. Review status: criteria provided, single submitter. Criteria: GeneDx Variant Classification Process June 2021. Collection method: clinical testing. Allele origin: germline. Affected: yes.
Comment: Not observed at significant frequency in large population cohorts (gnomAD); In silico analysis supports that this missense variant has a deleterious effect on protein structure/function; Has not been previously published as pathogenic or benign to our knowledge

Pediatric Infectious Diseases and Immunodeficiencies Unit (UPIIP)- HUVH-VHIR, Vall d'Hebron University Hospital
Classification: Uncertain significance. Review status: no assertion criteria provided. Collection method: clinical testing. Allele origin: inherited. Inheritance: X-linked recessive inheritance. Affected: yes. Not counted in ClinVar's aggregate classification.
Comment: The variant is absent from large population studies and there is no evidence of its functional effect. It is located in the kinase domain of the protein, which contains other pathogenic variants associated with X-linked agammaglobulinemia (XLA). We consider the c.1787T>C a Variant of Uncertain Significance.

NM_000061.3(BTK):c.1787T>C (p.Met596Thr)

Gene: BTK (Bruton tyrosine kinase; minus strand). Cytogenetic location: Xq22.1.
Variant type: single nucleotide variant.
Coding change: c.1787T>C on transcript NM_000061.3 (MANE Select); coding-DNA position 1787, T replaced by C.
Protein change: p.Met596Thr; replaces methionine 596 with threonine.
Molecular consequence: missense variant.
Genome position (GRCh38, 1-based): chrX:101,353,315, A>G on the plus strand (T>C on the coding strand, the complement: BTK is on the minus strand). VCF-style: chrX-101353315-A-G. GRCh37 (hg19) VCF-style: chrX-100608303-A-G.
Other names: c.1889T>C, p.Met630Thr (NM_001287344.2); c.1259T>C, p.Met420Thr (NM_001287345.2); short protein forms M420T, M596T, M630T.
Identifiers: ClinVar variation 2574621 (VCV002574621.3), dbSNP rs2520528329, ClinGen allele CA413919377.